The following is an entry in ClinVar:

NM_001127208.3(TET2):c.452_453del (p.Val151fs)

Genes: TET2 (tet methylcytosine dioxygenase 2; plus strand), TET2-AS1 (TET2 antisense RNA 1; minus strand). Cytogenetic location: 4q24.
Variant type: Microsatellite.
Coding change: c.452_453del on transcript NM_001127208.3 (MANE Select); coding-DNA positions 452 to 453, 2 bases deleted (TG; older notation c.452_453delTG).
Protein change: p.Val151fs; shifts the reading frame from valine 151.
Molecular consequence: frameshift variant.
Genome position (GRCh38, 1-based): chr4:105,234,394-105,234,395, TG deleted; deleting any 2 consecutive bases within chr4:105,234,392-105,234,395 gives the same sequence; the c. name uses the placement nearest the transcript's 3' end. VCF-style (leftmost placement, unchanged base first): chr4-105234391-CTG-C. GRCh37 (hg19) VCF-style: chr4-106155548-CTG-C.
Other names: c.452_453del, p.Val151fs (NM_017628.4); short protein forms V151fs.
Identifiers: ClinVar variation 2834214 (VCV002834214.3), dbSNP rs2476480847, ClinGen allele CA645533567.

ClinVar aggregate classification (germline): Pathogenic (1 of 4 stars; one submission).

Submission:

Labcorp Genetics (formerly Invitae), Labcorp
Classification: Pathogenic. Last evaluated: 2024-04-10. Review status: criteria provided, single submitter. Criteria: Invitae Variant Classification Sherloc (09022015). Collection method: clinical testing. Allele origin: germline.
Comment: This sequence change creates a premature translational stop signal (p.Val151Glufs*10) in the TET2 gene. It is expected to result in an absent or disrupted protein product. Loss-of-function variants in TET2 are known to be pathogenic (PMID: 36066697). This variant is not present in population databases (gnomAD no frequency). This variant has not been reported in the literature in individuals affected with TET2-related conditions. For these reasons, this variant has been classified as Pathogenic.

Literature cited by the submitters: PubMed 36066697.